The following is an entry in ClinVar:

ClinVar aggregate classification (germline): Conflicting classifications of pathogenicity. Review status: criteria provided, conflicting classifications (1 of 4 stars). 5 submissions from 5 submitters: Uncertain significance (2); Benign (1); Likely benign (2). Last evaluated 2025-06-11.

Conditions:
Ehlers-Danlos syndrome (EDS). Identifiers: Orphanet 98249, MedGen C0013720, MONDO:0020066.
Congenital contractural arachnodactyly (CCA). Also called: BEALS SYNDROME; Arthrogryposis, distal, type 9; Beals-Hecht syndrome. Identifiers: Orphanet 115, MedGen C0220668, MONDO:0007363, OMIM 121050.

Allele frequency attached by ClinVar (database versions not stated): TOPMed below 0.00001; gnomAD 0.00001 and 0.00002; ExAC 0.00008; gnomAD exomes 0.00009; 1000 Genomes Project 30x 0.00016; 1000 Genomes Project 0.00020.
gnomAD v4.1: 51 of 1,613,616 alleles (0.0032%); highest among the groups gnomAD compares: South Asian, 0.04%; no homozygotes.

Submissions (5):

Labcorp Genetics (formerly Invitae), Labcorp
Classification: Benign for Congenital contractural arachnodactyly. Last evaluated: 2025-06-11. Review status: criteria provided, single submitter. Criteria: Invitae Variant Classification Sherloc (09022015). Collection method: clinical testing. Allele origin: germline.

GeneDx
Classification: Uncertain significance. Last evaluated: 2025-01-15. Review status: criteria provided, single submitter. Criteria: GeneDx Variant Classification Process June 2021. Collection method: clinical testing. Allele origin: germline. Affected: yes.
Comment: In silico analysis indicates that this missense variant does not alter protein structure/function; Has not been previously published as pathogenic or benign to our knowledge

Blueprint Genetics
Classification: Likely benign. Last evaluated: 2024-05-17. Review status: criteria provided, single submitter. Criteria: ACMG Guidelines, 2015. Collection method: clinical testing. Allele origin: germline.

Victorian Clinical Genetics Services, Murdoch Childrens Research Institute
Classification: Uncertain significance for Congenital contractural arachnodactyly. Last evaluated: 2020-10-19. Review status: criteria provided, single submitter. Criteria: ACMG Guidelines, 2015. Collection method: clinical testing. Allele origin: germline. Inheritance: Autosomal dominant inheritance.
Comment: Based on the classification scheme VCGS_Germline_v1.3.3, this variant is classified as a 3C-VUS. Following criteria are met: 0102 - Loss of function is a known mechanism of disease in this gene and is associated with congenital contractural arachnodactyly (MIM #121050). (I) 0107 - This gene is associated with autosomal dominant disease. (I) 0200 - Variant is predicted to result in a missense amino acid change from glycine to serine. (I) 0251 - This variant is heterozygous. (I) 0302 - Variant is present in gnomAD (v2) <0.001 for a dominant condition (23 heterozygotes, 0 homozygotes). (I) 0502 - Missense variant with conflicting in silico predictions and uninformative conservation. Minor amino acid change, moderate conservation. (I) 0604 - Variant is not located in an established domain, motif, hotspot or informative constraint region. (I) 0705 - No comparable missense variants have previous evidence for pathogenicity. (I) 0807 - This variant has no previous evidence of pathogenicity. (I) 0905 - No published segregation evidence has been identified for this variant. (I) 1007 - No published functional evidence has been identified for this variant. (I) 1208 - Inheritance information for this variant is not currently available in this individual. (I) Legend: (SP) - Supporting Pathogenic, (I) – Information, (SB) – Supporting Benign

Genome Diagnostics Laboratory, The Hospital for Sick Children
Classification: Likely benign for Ehlers-Danlos syndrome. Last evaluated: 2018-10-01. Review status: criteria provided, single submitter. Criteria: ACMG Guidelines, 2015. Collection method: clinical testing. Allele origin: germline.

NM_001999.4(FBN2):c.8437G>A (p.Gly2813Ser)

Gene: FBN2 (fibrillin 2; minus strand). Cytogenetic location: 5q23.3.
Variant type: single nucleotide variant.
Coding change: c.8437G>A on transcript NM_001999.4 (MANE Select); coding-DNA position 8437, G replaced by A.
Protein change: p.Gly2813Ser; replaces glycine 2813 with serine.
Molecular consequence: missense variant.
Genome position (GRCh38, 1-based): chr5:128,259,757, C>T on the plus strand (G>A on the coding strand, the complement: FBN2 is on the minus strand). VCF-style: chr5-128259757-C-T. GRCh37 (hg19) VCF-style: chr5-127595449-C-T.
Other names: short protein forms G2813S.
Identifiers: ClinVar variation 1702253 (VCV001702253.11), dbSNP rs199808954, ClinGen allele CA3393805.